The following is an entry in ClinVar:

ClinVar aggregate classification (germline): Uncertain significance (1 of 4 stars; one submission).

Conditions:
Carnitine palmitoyl transferase 1A deficiency. Also called: Carnitine palmitoyltransferase 1A deficiency; Carnitine palmitoyltransferase type I deficiency; CPT deficiency, hepatic, type IA; CPT I DEFICIENCY; CPT DEFICIENCY, HEPATIC, TYPE I. Identifiers: Orphanet 156, MedGen C1829703, MONDO:0009705, OMIM 255120.

Allele frequency attached by ClinVar (database versions not stated): gnomAD exomes below 0.00001.
gnomAD v4.1: 2 of 1,614,188 alleles (0.00012%); highest among the groups gnomAD compares: South Asian, 0.0022%; no homozygotes.

Submission:

Labcorp Genetics (formerly Invitae), Labcorp
Classification: Uncertain significance for Carnitine palmitoyl transferase 1A deficiency. Last evaluated: 2021-12-18. Review status: criteria provided, single submitter. Criteria: Invitae Variant Classification Sherloc (09022015). Collection method: clinical testing. Allele origin: germline.
Comment: This sequence change replaces histidine, which is basic and polar, with arginine, which is basic and polar, at codon 25 of the CPT1A protein (p.His25Arg). This variant is present in population databases (no rsID available, gnomAD 0.003%). This variant has not been reported in the literature in individuals affected with CPT1A-related conditions. Algorithms developed to predict the effect of missense changes on protein structure and function (SIFT, PolyPhen-2, Align-GVGD) all suggest that this variant is likely to be tolerated. In summary, the available evidence is currently insufficient to determine the role of this variant in disease. Therefore, it has been classified as a Variant of Uncertain Significance.

NM_001876.4(CPT1A):c.74A>G (p.His25Arg)

Gene: CPT1A (carnitine palmitoyltransferase 1A; minus strand). Cytogenetic location: 11q13.3.
Variant type: single nucleotide variant.
Coding change: c.74A>G on transcript NM_001876.4 (MANE Select); coding-DNA position 74, A replaced by G.
Protein change: p.His25Arg; replaces histidine 25 with arginine.
Molecular consequence: missense variant.
Genome position (GRCh38, 1-based): chr11:68,815,401, T>C on the plus strand (A>G on the coding strand, the complement: CPT1A is on the minus strand). VCF-style: chr11-68815401-T-C. GRCh37 (hg19) VCF-style: chr11-68582869-T-C.
Other names: c.74A>G, p.His25Arg (NM_001031847.3); short protein forms H25R.
Identifiers: ClinVar variation 1975533 (VCV001975533.5), dbSNP rs1376193144, ClinGen allele CA381638360.
Genomic context (GRCh38, chr11:68,815,401, plus strand): 5'-CTGATGAACTTCTTTTTCCAGGAATGAAGTCCAGAGAGATAGATTTGTCTAAGAGCTTCA[T>C]GGCTCAGCCGCAGGTCAATCCCGTCCGGAGTGACCGTGAACTGAAAGGCCACAGCTTGGT-3'
Protein context (NP_001867.2, residues 15-35): TPDGIDLRLS[His25Arg]EALRQIYLSG